The following is an entry in ClinVar:

ClinVar aggregate classification (germline): Pathogenic (1 of 4 stars; one submission).

Conditions:
Neurofibromatosis, type 1 (NF1). Also called: NEUROFIBROMATOSIS, TYPE I, SOMATIC; Peripheral type neurofibromatosis; Neurofibromatosis, type I; VON RECKLINGHAUSEN DISEASE. Identifiers: Orphanet 636, MedGen C0027831, MONDO:0018975, OMIM 162200. Disease mechanism: loss of function.

Submission:

Labcorp Genetics (formerly Invitae), Labcorp
Classification: Pathogenic for Neurofibromatosis, type 1. Last evaluated: 2016-07-04. Review status: criteria provided, single submitter. Criteria: Invitae Variant Classification Sherloc (09022015). Collection method: clinical testing. Allele origin: germline.
Comment: This variant is a gross deletion of the genomic region encompassing exon 4 of the NF1 gene. This creates a premature translational stop signal and is expected to result in an absent or disrupted protein product. Loss-of-function variants in NF1 are known to be pathogenic. This particular deletion has been reported in the literature in an individual with neurofibromatosis type 1 (PMID: 18055911). For these reasons, this variant has been classified as Pathogenic.

NC_000017.11:g.(?_31163186)_(31163376_?)del

Gene: NF1 (neurofibromin 1; plus strand). Cytogenetic location: 17q11.2.
Variant type: Deletion.
Identifiers: ClinVar variation 417334 (VCV000417334.1).